The following is an entry in ClinVar:

ClinVar aggregate classification (germline): Uncertain significance (1 of 4 stars; one submission).

Conditions:
Hereditary insensitivity to pain with anhidrosis (CIPA). Also called: NEUROPATHY, CONGENITAL SENSORY, WITH ANHIDROSIS; FAMILIAL DYSAUTONOMIA, TYPE II; INSENSITIVITY TO PAIN, CONGENITAL, WITH ANHIDROSIS; HSAN Type IV; hereditary sensory and autonomic neuropathy type 4; NTRK1 Congenital Insensitivity to Pain with Anhidrosis. Identifiers: Orphanet 642, MedGen C0020074, MONDO:0009746, OMIM 256800.

Allele frequency attached by ClinVar (database versions not stated): TOPMed below 0.00001.
gnomAD v4.1: 1 of 1,570,740 alleles (0.000064%); highest among the groups gnomAD compares: East Asian, 0.0024%; no homozygotes.

Submission:

Labcorp Genetics (formerly Invitae), Labcorp
Classification: Uncertain significance for Hereditary insensitivity to pain with anhidrosis. Last evaluated: 2021-11-29. Review status: criteria provided, single submitter. Criteria: Invitae Variant Classification Sherloc (09022015). Collection method: clinical testing. Allele origin: germline.
Comment: This sequence change replaces methionine, which is neutral and non-polar, with threonine, which is neutral and polar, at codon 375 of the NTRK1 protein (p.Met375Thr). This variant is not present in population databases (gnomAD no frequency). This variant has not been reported in the literature in individuals affected with NTRK1-related conditions. Advanced modeling of protein sequence and biophysical properties (such as structural, functional, and spatial information, amino acid conservation, physicochemical variation, residue mobility, and thermodynamic stability) performed at Invitae indicates that this missense variant is not expected to disrupt NTRK1 protein function. In summary, the available evidence is currently insufficient to determine the role of this variant in disease. Therefore, it has been classified as a Variant of Uncertain Significance.

NM_002529.4(NTRK1):c.1124T>C (p.Met375Thr)

Gene: NTRK1 (neurotrophic receptor tyrosine kinase 1; plus strand). Cytogenetic location: 1q23.1.
Variant type: single nucleotide variant.
Coding change: c.1124T>C on transcript NM_002529.4 (MANE Select); coding-DNA position 1124, T replaced by C.
Protein change: p.Met375Thr; replaces methionine 375 with threonine.
Molecular consequence: missense variant.
Genome position (GRCh38, 1-based): chr1:156,873,906, T>C. VCF-style: chr1-156873906-T-C. GRCh37 (hg19) VCF-style: chr1-156843698-T-C.
Other names: c.1124T>C, p.Met375Thr (NM_001007204.1, NM_001012331.2); c.1034T>C, p.Met345Thr (NM_001007792.1); short protein forms M345T, M375T.
Identifiers: ClinVar variation 2137905 (VCV002137905.1), dbSNP rs1558104298, ClinGen allele CA342936229.
Genomic context (GRCh38, chr1:156,873,906, plus strand): 5'-ACAACGGCAACTACACGCTGCTGGCTGCCAACCCCTTCGGCCAGGCCTCCGCCTCCATCA[T>C]GGCTGCCTTCATGGACAACCCTTTCGAGTTCAACCCCGAGGACCCCATCCCTGGTGCGAG-3'
Protein context (NP_002520.2, residues 365-385): NPFGQASASI[Met375Thr]AAFMDNPFEF